The following is an entry in ClinVar:

ClinVar aggregate classification (germline): Uncertain significance. Review status: criteria provided, multiple submitters, no conflicts (2 of 4 stars). 2 submissions from 2 submitters: Uncertain significance (2). Last evaluated 2025-12-07.

Conditions:
Hypertrophic cardiomyopathy. Also called: HYPERTROPHIC MYOCARDIOPATHY. Identifiers: Orphanet 217569, MedGen C0007194, MeSH D002312, MONDO:0005045, HP:0001639.

Allele frequency attached by ClinVar (database versions not stated): gnomAD exomes 0.00001 and 0.00005; ExAC 0.00004; gnomAD 0.00004; TOPMed 0.00004; ESP Exome Variant Server 0.00008.

Submissions (2):

Ambry Genetics
Classification: Uncertain significance. Last evaluated: 2025-12-07. Review status: criteria provided, single submitter. Criteria: Ambry Variant Classification Scheme 2023. Collection method: clinical testing. Allele origin: germline.
Comment: The p.R307C variant (also known as c.919C>T), located in coding exon 4 of the MYOM1 gene, results from a C to T substitution at nucleotide position 919. The arginine at codon 307 is replaced by cysteine, an amino acid with highly dissimilar properties. This amino acid position is conserved. In addition, this alteration is predicted to be deleterious by in silico analysis. Since supporting evidence is limited at this time, the clinical significance of this alteration remains unclear.

Labcorp Genetics (formerly Invitae), Labcorp
Classification: Uncertain significance for Hypertrophic cardiomyopathy. Last evaluated: 2025-07-08. Review status: criteria provided, single submitter. Criteria: Invitae Variant Classification Sherloc (09022015). Collection method: clinical testing. Allele origin: germline.
Comment: This sequence change replaces arginine, which is basic and polar, with cysteine, which is neutral and slightly polar, at codon 307 of the MYOM1 protein (p.Arg307Cys). This variant is present in population databases (rs368343125, gnomAD 0.01%). This variant has not been reported in the literature in individuals affected with MYOM1-related conditions. ClinVar contains an entry for this variant (Variation ID: 576075). Invitae Evidence Modeling of protein sequence and biophysical properties (such as structural, functional, and spatial information, amino acid conservation, physicochemical variation, residue mobility, and thermodynamic stability) indicates that this missense variant is not expected to disrupt MYOM1 protein function with a negative predictive value of 80%. In summary, the available evidence is currently insufficient to determine the role of this variant in disease. Therefore, it has been classified as a Variant of Uncertain Significance.

NM_003803.4(MYOM1):c.919C>T (p.Arg307Cys)

Gene: MYOM1 (myomesin 1; minus strand). Cytogenetic location: 18p11.31.
Variant type: single nucleotide variant.
Coding change: c.919C>T on transcript NM_003803.4 (MANE Select); coding-DNA position 919, C replaced by T.
Protein change: p.Arg307Cys; replaces arginine 307 with cysteine.
Molecular consequence: missense variant.
Genome position (GRCh38, 1-based): chr18:3,187,490, G>A on the plus strand (C>T on the coding strand, the complement: MYOM1 is on the minus strand). VCF-style: chr18-3187490-G-A. GRCh37 (hg19) VCF-style: chr18-3187488-G-A.
Other names: c.919C>T, p.Arg307Cys (NM_019856.2); short protein forms R307C.
Identifiers: ClinVar variation 576075 (VCV000576075.12), dbSNP rs368343125, ClinGen allele CA8875134.